The following is an entry in ClinVar:

NM_014845.6(FIG4):c.137C>G (p.Pro46Arg)

Gene: FIG4 (FIG4 phosphoinositide 5-phosphatase; plus strand). Cytogenetic location: 6q21.
Variant type: single nucleotide variant.
Coding change: c.137C>G on transcript NM_014845.6 (MANE Select); coding-DNA position 137, C replaced by G.
Protein change: p.Pro46Arg; replaces proline 46 with arginine.
Molecular consequence: missense variant.
Genome position (GRCh38, 1-based): chr6:109,715,148, C>G. VCF-style: chr6-109715148-C-G. GRCh37 (hg19) VCF-style: chr6-110036351-C-G.
Other names: short protein forms P46R.
Identifiers: ClinVar variation 572719 (VCV000572719.8), dbSNP rs1562642404, ClinGen allele CA365211511.

ClinVar aggregate classification (germline): Uncertain significance (1 of 4 stars; one submission).

Conditions:
Charcot-Marie-Tooth disease type 4. Also called: Charcot-Marie-Tooth, Type 4; Charcot-Marie-Tooth disease, type IV. Identifiers: Orphanet 64749, MedGen C4082197, MONDO:0018995.

Submission:

Labcorp Genetics (formerly Invitae), Labcorp
Classification: Uncertain significance for Charcot-Marie-Tooth disease type 4. Last evaluated: 2018-01-18. Review status: criteria provided, single submitter. Criteria: Invitae Variant Classification Sherloc (09022015). Collection method: clinical testing. Allele origin: germline.
Comment: This variant has not been reported in the literature in individuals with FIG4-related disease. In summary, the available evidence is currently insufficient to determine the role of this variant in disease. Therefore, it has been classified as a Variant of Uncertain Significance. Algorithms developed to predict the effect of missense changes on protein structure and function do not agree on the potential impact of this missense change (SIFT: "Tolerated"; PolyPhen-2: "Possibly Damaging"; Align-GVGD: "Class C0"). This variant is not present in population databases (ExAC no frequency). This sequence change replaces proline with arginine at codon 46 of the FIG4 protein (p.Pro46Arg). The proline residue is moderately conserved and there is a moderate physicochemical difference between proline and arginine.